The following is an entry in ClinVar:

ClinVar aggregate classification (germline): Likely benign. Review status: criteria provided, single submitter (1 of 4 stars). 2 submissions from 2 submitters: Likely benign (1). 1 of the submissions does not count toward it. Last evaluated 2024-05-06.

Conditions:
PHKB-related disorder. Also called: PHKB-related condition.
Glycogen storage disease IXb (GSD9B). Also called: PHOSPHORYLASE KINASE DEFICIENCY OF LIVER AND MUSCLE, AUTOSOMAL RECESSIVE; GLYCOGENOSIS OF LIVER AND MUSCLE, AUTOSOMAL RECESSIVE; GSD IXb. Identifiers: Orphanet 79240, MedGen C0543514, MONDO:0009868, OMIM 261750.

Allele frequency attached by ClinVar (database versions not stated): gnomAD 0.00001; ExAC 0.00002.
gnomAD v4.1: 14 of 1,613,288 alleles (0.00087%); highest among the groups gnomAD compares: Non-Finnish European, 0.0012%; no homozygotes.

Submissions (2):

Labcorp Genetics (formerly Invitae), Labcorp
Classification: Likely benign for Glycogen storage disease IXb. Last evaluated: 2024-05-06. Review status: criteria provided, single submitter. Criteria: Invitae Variant Classification Sherloc (09022015). Collection method: clinical testing. Allele origin: germline.

PreventionGenetics, part of Exact Sciences
Classification: Likely benign for PHKB-related condition. Last evaluated: 2020-05-19. Review status: no assertion criteria provided. Collection method: clinical testing. Allele origin: germline. Not counted in ClinVar's aggregate classification.
Comment: This variant is classified as likely benign based on ACMG/AMP sequence variant interpretation guidelines (Richards et al. 2015 PMID: 25741868, with internal and published modifications).

NM_000293.3(PHKB):c.1992G>A (p.Val664=)

Gene: PHKB (phosphorylase kinase regulatory subunit beta; plus strand). Cytogenetic location: 16q12.1.
Variant type: single nucleotide variant.
Coding change: c.1992G>A on transcript NM_000293.3 (MANE Select); coding-DNA position 1992, G replaced by A.
Protein change: p.Val664=; no amino-acid change (valine 664 retained).
Molecular consequence: synonymous variant.
Genome position (GRCh38, 1-based): chr16:47,660,526, G>A. VCF-style: chr16-47660526-G-A. GRCh37 (hg19) VCF-style: chr16-47694437-G-A.
Other names: c.1971G>A, p.Val657= (NM_001031835.3); c.1992G>A, p.Val664= (NM_001363837.1); c.1971G>A (NM_001031835.2).
Identifiers: ClinVar variation 1974331 (VCV001974331.7), dbSNP rs751852176, ClinGen allele CA8041042.